The following is an entry in ClinVar:

NM_000051.4(ATM):c.5632T>C (p.Ser1878Pro)

Gene: ATM (ATM serine/threonine kinase; plus strand). Cytogenetic location: 11q22.3.
Variant type: single nucleotide variant.
Coding change: c.5632T>C on transcript NM_000051.4 (MANE Select); coding-DNA position 5632, T replaced by C.
Protein change: p.Ser1878Pro; replaces serine 1878 with proline.
Molecular consequence: missense variant.
Genome position (GRCh38, 1-based): chr11:108,304,810, T>C. VCF-style: chr11-108304810-T-C. GRCh37 (hg19) VCF-style: chr11-108175537-T-C.
Other names: c.5632T>C, p.Ser1878Pro (NM_001351834.2); short protein forms S1878P.
Identifiers: ClinVar variation 2114694 (VCV002114694.4), dbSNP rs2546988158, ClinGen allele CA382546395.

ClinVar aggregate classification (germline): Uncertain significance (1 of 4 stars; one submission).

Conditions:
Ataxia-telangiectasia syndrome (AT). Also called: Ataxia-telangiectasia; AT, COMPLEMENTATION GROUP C; ATAXIA-TELANGIECTASIA, COMPLEMENTATION GROUP A; ATAXIA-TELANGIECTASIA, FRESNO VARIANT; Ataxia-telangiectasia, complementation group E; LOUIS-BAR SYNDROME. Identifiers: Orphanet 100, MedGen C0004135, MONDO:0008840, OMIM 208900.

Submission:

Labcorp Genetics (formerly Invitae), Labcorp
Classification: Uncertain significance for Ataxia-telangiectasia syndrome. Last evaluated: 2022-03-19. Review status: criteria provided, single submitter. Criteria: Invitae Variant Classification Sherloc (09022015). Collection method: clinical testing. Allele origin: germline.
Comment: This variant has not been reported in the literature in individuals affected with ATM-related conditions. Advanced modeling of protein sequence and biophysical properties (such as structural, functional, and spatial information, amino acid conservation, physicochemical variation, residue mobility, and thermodynamic stability) performed at Invitae indicates that this missense variant is not expected to disrupt ATM protein function. In summary, the available evidence is currently insufficient to determine the role of this variant in disease. Therefore, it has been classified as a Variant of Uncertain Significance. This sequence change replaces serine, which is neutral and polar, with proline, which is neutral and non-polar, at codon 1878 of the ATM protein (p.Ser1878Pro). This variant is not present in population databases (gnomAD no frequency).